The following is an entry in ClinVar:

ClinVar aggregate classification (germline): Uncertain significance (1 of 4 stars; one submission).

gnomAD v4.1: 1 of 1,613,886 alleles (0.000062%); highest among the groups gnomAD compares: Non-Finnish European, 0.000085%; no homozygotes.

Submission:

Women's Health and Genetics/Laboratory Corporation of America, LabCorp
Classification: Uncertain significance. Last evaluated: 2025-01-07. Review status: criteria provided, single submitter. Criteria: LabCorp Variant Classification Summary - May 2015. Collection method: clinical testing. Allele origin: germline.
Comment: Variant summary: SETX c.7777G>A (p.Val2593Ile) results in a conservative amino acid change in the encoded protein sequence. Five of five in-silico tools predict a benign effect of the variant on protein function. The variant was absent in 250840 control chromosomes. The available data on variant occurrences in the general population are insufficient to allow any conclusion about variant significance. To our knowledge, no occurrence of c.7777G>A in individuals affected with Spinocerebellar ataxia, autosomal recessive, with axonal neuropathy 2 and no experimental evidence demonstrating its impact on protein function have been reported. No submitters have cited clinical-significance assessments for this variant to ClinVar. Based on the evidence outlined above, the variant was classified as uncertain significance.

NM_015046.7(SETX):c.7777G>A (p.Val2593Ile)

Gene: SETX (senataxin; minus strand). Cytogenetic location: 9q34.13.
Variant type: single nucleotide variant.
Coding change: c.7777G>A on transcript NM_015046.7 (MANE Select); coding-DNA position 7777, G replaced by A.
Protein change: p.Val2593Ile; replaces valine 2593 with isoleucine.
Molecular consequence: missense variant.
Genome position (GRCh38, 1-based): chr9:132,264,496, C>T on the plus strand (G>A on the coding strand, the complement: SETX is on the minus strand). VCF-style: chr9-132264496-C-T. GRCh37 (hg19) VCF-style: chr9-135139883-C-T.
Other names: c.7777G>A, p.Val2593Ile (NM_001351527.2); c.7864G>A, p.Val2622Ile (NM_001351528.2); short protein forms V2593I, V2622I.
Identifiers: ClinVar variation 3769238 (VCV003769238.2).